The following is an entry in ClinVar:

NM_014423.4(AFF4):c.2494A>G (p.Lys832Glu)

Gene: AFF4 (ALF transcription elongation factor 4; minus strand). Cytogenetic location: 5q31.1.
Variant type: single nucleotide variant.
Coding change: c.2494A>G on transcript NM_014423.4 (MANE Select); coding-DNA position 2494, A replaced by G.
Protein change: p.Lys832Glu; replaces lysine 832 with glutamic acid.
Molecular consequence: missense variant.
Genome position (GRCh38, 1-based): chr5:132,892,307, T>C on the plus strand (A>G on the coding strand, the complement: AFF4 is on the minus strand). VCF-style: chr5-132892307-T-C. GRCh37 (hg19) VCF-style: chr5-132227999-T-C.
Other names: short protein forms K832E.
Identifiers: ClinVar variation 3364582 (VCV003364582.1).
Genomic context (GRCh38, chr5:132,892,307, plus strand): 5'-TCGTCTCCTTGTTGCTGTTACTGCTTGACTTTAAGGAAGAAGACTGACTAATAGTCCTCT[T>C]CCGAGAGCCATGCTCTGTTTTTGGATCTTTTGAAGGAACAGGCCCAGCGGGAGAAGGCAA-3'
Protein context (NP_055238.1, residues 822-842): KDPKTEHGSR[Lys832Glu]RTISQSSSLK

ClinVar aggregate classification (germline): Uncertain significance (1 of 4 stars; one submission).

Submission:

GeneDx
Classification: Uncertain significance. Last evaluated: 2023-11-22. Review status: criteria provided, single submitter. Criteria: GeneDx Variant Classification Process June 2021. Collection method: clinical testing. Allele origin: germline. Affected: yes.
Comment: Not observed at significant frequency in large population cohorts (gnomAD); In silico analysis supports that this missense variant does not alter protein structure/function; Has not been previously published as pathogenic or benign to our knowledge